The following is an entry in ClinVar:

NM_016507.4(CDK12):c.4240C>G (p.Pro1414Ala)

Gene: CDK12 (cyclin dependent kinase 12; plus strand). Cytogenetic location: 17q12.
Variant type: single nucleotide variant.
Coding change: c.4240C>G on transcript NM_016507.4 (MANE Select); coding-DNA position 4240, C replaced by G.
Protein change: p.Pro1414Ala; replaces proline 1414 with alanine.
Molecular consequence: missense variant.
Genome position (GRCh38, 1-based): chr17:39,531,083, C>G. VCF-style: chr17-39531083-C-G. GRCh37 (hg19) VCF-style: chr17-37687336-C-G.
Other names: c.4213C>G, p.Pro1405Ala (NM_015083.4); short protein forms P1405A, P1414A.
Identifiers: ClinVar variation 3999507 (VCV003999507.1).
Genomic context (GRCh38, chr17:39,531,083, plus strand): 5'-TCAGTGCAGTTTCCAGGGGACCAGGACCTCCGTTTTGCCAGGGTCCCCTTAGCGTTACAC[C>G]CGGTGGTCGGGCAACCATTCCTGAAGGCTGAGGGAAGCAGCAATTCTGTGGTACATGCAG-3'
Protein context (NP_057591.2, residues 1404-1424): RFARVPLALH[Pro1414Ala]VVGQPFLKAE

ClinVar aggregate classification (germline): Uncertain significance (1 of 4 stars; one submission).

Submission:

Ambry Genetics
Classification: Uncertain significance. Last evaluated: 2025-05-31. Review status: criteria provided, single submitter. Criteria: Ambry Variant Classification Scheme 2023. Collection method: clinical testing. Allele origin: germline.
Comment: The p.P1414A variant (also known as c.4240C>G), located in coding exon 14 of the CDK12 gene, results from a C to G substitution at nucleotide position 4240. The proline at codon 1414 is replaced by alanine, an amino acid with highly similar properties. This amino acid position is conserved. In addition, this alteration is predicted to be tolerated by in silico analysis. Based on the available evidence, the clinical significance of this variant remains unclear.